The following is an entry in ClinVar:

ClinVar aggregate classification (germline): Uncertain significance (1 of 4 stars; one submission).

gnomAD v4.1: 123 of 1,562,190 alleles (0.0079%); highest among the groups gnomAD compares: African/African-American, 0.16%; no homozygotes.

Submission:

GeneDx
Classification: Uncertain significance. Last evaluated: 2025-05-23. Review status: criteria provided, single submitter. Criteria: GeneDx Variant Classification Process June 2021. Collection method: clinical testing. Allele origin: germline. Affected: yes.
Comment: Not observed at significant frequency in large population cohorts (gnomAD); Has not been previously published as pathogenic or benign to our knowledge; In silico analysis does not support a benign or deleterious effect of this variant on protein structure/function

NM_018474.6(KIZ):c.1385G>A (p.Arg462Lys)

Genes: KIZ (kizuna centrosomal protein; plus strand), KIZ-AS1 (KIZ antisense RNA 1; minus strand). Cytogenetic location: 20p11.23.
Variant type: single nucleotide variant.
Coding change: c.1385G>A on transcript NM_018474.6 (MANE Select); coding-DNA position 1385, G replaced by A.
Protein change: p.Arg462Lys; replaces arginine 462 with lysine.
Molecular consequence: missense variant.
Genome position (GRCh38, 1-based): chr20:21,205,523, G>A. VCF-style: chr20-21205523-G-A.
Other names: c.1076G>A, p.Arg359Lys (NM_001163022.3, NM_001352435.2); c.986G>A, p.Arg329Lys (NM_001163023.3); c.1238G>A, p.Arg413Lys (NM_001276389.2); c.1385G>A, p.Arg462Lys (NM_001352434.2); c.1043G>A, p.Arg348Lys (NM_001352436.2); short protein forms R329K, R348K, R359K, R413K, R462K.
Identifiers: ClinVar variation 4530823 (VCV004530823.1).